The following is an entry in ClinVar:

ClinVar aggregate classification (germline): Pathogenic (1 of 4 stars; one submission).

Conditions:
Spinal muscular atrophy with lower extremity predominance. Also called: Autosomal dominant childhood-onset proximal spinal muscular atrophy. Identifiers: Orphanet 363447, MedGen C1834690, MONDO:0018190.

Submission:

Women's Health and Genetics/Laboratory Corporation of America, LabCorp
Classification: Pathogenic for Spinal muscular atrophy with lower extremity predominance. Last evaluated: 2024-03-04. Review status: criteria provided, single submitter. Criteria: LabCorp Variant Classification Summary - May 2015. Collection method: clinical testing. Allele origin: germline.
Comment: Variant summary: BICD2 c.2100C>A (p.Asn700Lys) results in a non-conservative amino acid change in the encoded protein sequence. Four of five in-silico tools predict a damaging effect of the variant on protein function. The variant was absent in 247344 control chromosomes. c.2100C>A has been reported in the literature as de novo in a fetus affected with Spinal Muscular Atrophy With Lower Extremity Predominance. Additionally, another variant resulting in the same amino acid change c.2100C>G (p.Asn700Lys) was also observed as de novo in an affected fetus (Ahmed_2018) and classified as pathogenic in ClinVar. To our knowledge, no experimental evidence demonstrating an impact on protein function has been reported. The following publications have been ascertained in the context of this evaluation (PMID: 35627109, 33547725, 29274205). No submitters have cited clinical-significance assessments for this variant to ClinVar. Based on the evidence outlined above, the variant was classified as pathogenic.

Literature cited by the submitters: PubMed 35627109; PubMed 29274205; PubMed 33547725.

NM_001003800.2(BICD2):c.2100C>A (p.Asn700Lys)

Gene: BICD2 (BICD cargo adaptor 2; minus strand). Cytogenetic location: 9q22.31.
Variant type: single nucleotide variant.
Coding change: c.2100C>A on transcript NM_001003800.2 (MANE Select); coding-DNA position 2100, C replaced by A.
Protein change: p.Asn700Lys; replaces asparagine 700 with lysine.
Molecular consequence: missense variant.
Genome position (GRCh38, 1-based): chr9:92,718,545, G>T on the plus strand (C>A on the coding strand, the complement: BICD2 is on the minus strand). VCF-style: chr9-92718545-G-T. GRCh37 (hg19) VCF-style: chr9-95480827-G-T.
Other names: c.2100C>A, p.Asn700Lys (NM_015250.4); short protein forms N700K.
Identifiers: ClinVar variation 3233668 (VCV003233668.2), dbSNP rs2490442124, ClinGen allele CA374033579.